The following is an entry in ClinVar:

NM_194248.3(OTOF):c.4936C>A (p.Pro1646Thr)

Gene: OTOF (otoferlin; minus strand). Cytogenetic location: 2p23.3.
Variant type: single nucleotide variant.
Coding change: c.4936C>A on transcript NM_194248.3 (MANE Select); coding-DNA position 4936, C replaced by A.
Protein change: p.Pro1646Thr; replaces proline 1646 with threonine.
Molecular consequence: missense variant.
Genome position (GRCh38, 1-based): chr2:26,464,893, G>T on the plus strand (C>A on the coding strand, the complement: OTOF is on the minus strand). VCF-style: chr2-26464893-G-T. GRCh37 (hg19) VCF-style: chr2-26687761-G-T.
Other names: c.4936C>A, p.Pro1646Thr (NM_001287489.2); c.2635C>A, p.Pro879Thr (NM_004802.4, NM_194323.3); c.2866C>A, p.Pro956Thr (NM_194322.3); short protein forms P1646T, P956T, P879T.
Identifiers: ClinVar variation 2909727 (VCV002909727.5), dbSNP rs17005371, ClinGen allele CA1562995.
Genomic context (GRCh38, chr2:26,464,893, plus strand): 5'-AGAGGGGGCAGGCGGCTGCATCCAGTGCCCCATTACCGTTCTCGTCCTCAATCTCAGAGG[G>T]CCCAGTGAAGACGCGGTTGGCCACCTTCACTCTCCCAGGGGGCCCAAAGTGGGGGCCGTC-3'
Protein context (NP_919224.1, residues 1636-1656): VKVANRVFTG[Pro1646Thr]SEIEDENGQR

ClinVar aggregate classification (germline): Conflicting classifications of pathogenicity. Review status: criteria provided, conflicting classifications (1 of 4 stars). 3 submissions from 3 submitters: Uncertain significance (1); Benign (1); Likely benign (1). Last evaluated 2025-11-28.

gnomAD v4.1: 144 of 1,601,030 alleles (0.009%); highest among the groups gnomAD compares: South Asian, 0.1%; 2 homozygotes.

Submissions (3):

Labcorp Genetics (formerly Invitae), Labcorp
Classification: Benign. Last evaluated: 2025-11-28. Review status: criteria provided, single submitter. Criteria: Invitae Variant Classification Sherloc (09022015). Collection method: clinical testing. Allele origin: germline.

GeneDx
Classification: Uncertain significance. Last evaluated: 2025-04-21. Review status: criteria provided, single submitter. Criteria: GeneDx Variant Classification Process June 2021. Collection method: clinical testing. Allele origin: germline. Affected: yes.
Comment: In silico analysis indicates that this missense variant does not alter protein structure/function; Has not been previously published as pathogenic or benign to our knowledge

Blueprint Genetics
Classification: Likely benign. Last evaluated: 2024-11-26. Review status: criteria provided, single submitter. Criteria: ACMG Guidelines, 2015. Collection method: clinical testing. Allele origin: germline.